The following is an entry in ClinVar:

NM_173500.4(TTBK2):c.1173C>G (p.Asn391Lys)

Gene: TTBK2 (tau tubulin kinase 2; minus strand). Cytogenetic location: 15q15.2.
Variant type: single nucleotide variant.
Coding change: c.1173C>G on transcript NM_173500.4 (MANE Select); coding-DNA position 1173, C replaced by G.
Protein change: p.Asn391Lys; replaces asparagine 391 with lysine.
Molecular consequence: missense variant.
Genome position (GRCh38, 1-based): chr15:42,783,443, G>C on the plus strand (C>G on the coding strand, the complement: TTBK2 is on the minus strand). VCF-style: chr15-42783443-G-C. GRCh37 (hg19) VCF-style: chr15-43075641-G-C.
Other names: short protein forms N391K.
Identifiers: ClinVar variation 886334 (VCV000886334.8), dbSNP rs759246710, ClinGen allele CA269892949.

ClinVar aggregate classification (germline): Uncertain significance. Review status: criteria provided, multiple submitters, no conflicts (2 of 4 stars). 3 submissions from 3 submitters: Uncertain significance (3). Last evaluated 2025-04-14.

Conditions:
Spinocerebellar ataxia type 11 (SCA11). Identifiers: Orphanet 98767, MedGen C1858351, MONDO:0011464, OMIM 604432.

Allele frequency attached by ClinVar (database versions not stated): gnomAD exomes 0.00001; TOPMed 0.00003.
gnomAD v4.1: 79 of 1,613,918 alleles (0.0049%); highest among the groups gnomAD compares: Middle Eastern, 0.016%; 1 homozygote.

Submissions (3):

Labcorp Genetics (formerly Invitae), Labcorp
Classification: Uncertain significance. Last evaluated: 2025-04-14. Review status: criteria provided, single submitter. Criteria: Invitae Variant Classification Sherloc (09022015). Collection method: clinical testing. Allele origin: germline.
Comment: This sequence change replaces asparagine, which is neutral and polar, with lysine, which is basic and polar, at codon 391 of the TTBK2 protein (p.Asn391Lys). This variant is present in population databases (rs759246710, gnomAD 0.02%), including at least one homozygous and/or hemizygous individual. This variant has not been reported in the literature in individuals affected with TTBK2-related conditions. ClinVar contains an entry for this variant (Variation ID: 886334). Invitae Evidence Modeling of protein sequence and biophysical properties (such as structural, functional, and spatial information, amino acid conservation, physicochemical variation, residue mobility, and thermodynamic stability) indicates that this missense variant is not expected to disrupt TTBK2 protein function with a negative predictive value of 80%. In summary, the available evidence is currently insufficient to determine the role of this variant in disease. Therefore, it has been classified as a Variant of Uncertain Significance.

Fulgent Genetics
Classification: Uncertain significance for Spinocerebellar ataxia type 11. Last evaluated: 2022-04-14. Review status: criteria provided, single submitter. Criteria: ACMG Guidelines, 2015. Collection method: clinical testing. Allele origin: unknown.

Illumina Laboratory Services, Illumina
Classification: Uncertain significance for Spinocerebellar ataxia type 11. Last evaluated: 2018-01-13. Review status: criteria provided, single submitter. Criteria: ICSL Variant Classification Criteria 13 December 2019. Collection method: clinical testing. Allele origin: germline.